The following is an entry in ClinVar:

NM_182972.3(IRF2BP2):c.960C>T (p.Pro320=)

Genes: IRF2BP2 (interferon regulatory factor 2 binding protein 2; minus strand), LOC129932810 (ATAC-STARR-seq lymphoblastoid active region 2760; plus strand). Cytogenetic location: 1q42.3.
Variant type: single nucleotide variant.
Coding change: c.960C>T on transcript NM_182972.3 (MANE Select); coding-DNA position 960, C replaced by T.
Protein change: p.Pro320=; no amino-acid change (proline 320 retained).
Molecular consequence: synonymous variant.
Genome position (GRCh38, 1-based): chr1:234,608,535, G>A on the plus strand (C>T on the coding strand, the complement: IRF2BP2 is on the minus strand). VCF-style: chr1-234608535-G-A. GRCh37 (hg19) VCF-style: chr1-234744281-G-A.
Other names: c.960C>T, p.Pro320= (NM_001077397.1); c.960C>T (NM_182972.2).
Identifiers: ClinVar variation 2183398 (VCV002183398.7), dbSNP rs3207737, ClinGen allele CA1461712.

ClinVar aggregate classification (germline): Likely benign. Review status: criteria provided, multiple submitters, no conflicts (2 of 4 stars). 3 submissions from 3 submitters: Likely benign (2). 1 of the submissions does not count toward it. Last evaluated 2025-12-23.

Conditions:
IRF2BP2-related disorder. Also called: IRF2BP2-related condition.

Allele frequency attached by ClinVar (database versions not stated): ESP Exome Variant Server 0.00015; ExAC 0.00016; 1000 Genomes Project 30x 0.00047; 1000 Genomes Project 0.00060.

Submissions (3):

Labcorp Genetics (formerly Invitae), Labcorp
Classification: Likely benign. Last evaluated: 2025-12-23. Review status: criteria provided, single submitter. Criteria: Invitae Variant Classification Sherloc (09022015). Collection method: clinical testing. Allele origin: germline.

Blueprint Genetics
Classification: Likely benign. Last evaluated: 2023-10-09. Review status: criteria provided, single submitter. Criteria: ACMG Guidelines, 2015. Collection method: clinical testing. Allele origin: germline.

PreventionGenetics, part of Exact Sciences
Classification: Likely benign for IRF2BP2-related condition. Last evaluated: 2019-04-10. Review status: no assertion criteria provided. Collection method: clinical testing. Allele origin: germline. Not counted in ClinVar's aggregate classification.
Comment: This variant is classified as likely benign based on ACMG/AMP sequence variant interpretation guidelines (Richards et al. 2015 PMID: 25741868, with internal and published modifications).